The following is an entry in ClinVar:

NM_020461.4(TUBGCP6):c.3093_3098dup (p.Gly1033_Leu1034insGlyGly)

Gene: TUBGCP6 (tubulin gamma complex component 6; minus strand). Cytogenetic location: 22q13.33.
Variant type: Duplication.
Coding change: c.3093_3098dup on transcript NM_020461.4 (MANE Select); coding-DNA positions 3093 to 3098, 6 bases duplicated (GGGTGG; older notation c.3093_3098dupGGGTGG).
Protein change: p.Gly1033_Leu1034insGlyGly.
Molecular consequence: inframe insertion.
Genome position (GRCh38, 1-based): chr22:50,221,261-50,221,266, CCACCC duplicated on the plus strand (GGGTGG on the coding strand, the reverse complement: TUBGCP6 is on the minus strand); duplicating any 6 consecutive bases within chr22:50,221,261-50,221,268 gives the same sequence; the c. name uses the placement nearest the transcript's 3' end. VCF-style (leftmost placement, unchanged base first): chr22-50221260-A-ACCACCC. GRCh37 (hg19) VCF-style: chr22-50659689-A-ACCACCC.
Identifiers: ClinVar variation 2023464 (VCV002023464.4), dbSNP rs2519136890, ClinGen allele CA2580100106.
Genomic context (GRCh38, chr22:50,221,260, plus strand): 5'-GTGGGTGTTCCACCGTGGCCGGGTGGGAGCTATTTCAGAAGCGTAGTCCCCTGTGGGAAG[A>ACCACCC]CCACCCCCTGACACCTGCCCAAAGAGCCGCTCTGTGGGCTGGCTGCTCCCCTCCTCCAGA-3'

ClinVar aggregate classification (germline): Uncertain significance (1 of 4 stars; one submission).

Submission:

Labcorp Genetics (formerly Invitae), Labcorp
Classification: Uncertain significance. Last evaluated: 2025-10-02. Review status: criteria provided, single submitter. Criteria: Invitae Variant Classification Sherloc (09022015). Collection method: clinical testing. Allele origin: germline.
Comment: This variant, c.3093_3098dup, results in the insertion of 2 amino acid(s) of the TUBGCP6 protein (p.Gly1032_Gly1033dup), but otherwise preserves the integrity of the reading frame. This variant is not present in population databases (gnomAD no frequency). This variant has not been reported in the literature in individuals affected with TUBGCP6-related conditions. ClinVar contains an entry for this variant (Variation ID: 2023464). Experimental studies and prediction algorithms are not available or were not evaluated, and the functional significance of this variant is currently unknown. In summary, the available evidence is currently insufficient to determine the role of this variant in disease. Therefore, it has been classified as a Variant of Uncertain Significance.